The following is an entry in ClinVar:

ClinVar aggregate classification (germline): Uncertain significance (1 of 4 stars; one submission).

Allele frequency attached by ClinVar (database versions not stated): gnomAD exomes below 0.00001; TOPMed 0.00002; gnomAD 0.00001.
gnomAD v4.1: 3 of 1,614,114 alleles (0.00019%); highest among the groups gnomAD compares: African/African-American, 0.004%; no homozygotes.

Submission:

Labcorp Genetics (formerly Invitae), Labcorp
Classification: Uncertain significance. Last evaluated: 2025-12-08. Review status: criteria provided, single submitter. Criteria: Invitae Variant Classification Sherloc (09022015). Collection method: clinical testing. Allele origin: germline.
Comment: This sequence change replaces serine, which is neutral and polar, with phenylalanine, which is neutral and non-polar, at codon 3762 of the TRRAP protein (p.Ser3762Phe). This variant is present in population databases (no rsID available, gnomAD 0.01%). This variant has not been reported in the literature in individuals affected with TRRAP-related conditions. ClinVar contains an entry for this variant (Variation ID: 2780774). An algorithm developed to predict the effect of missense changes on protein structure and function (PolyPhen-2) suggests that this variant is likely to be tolerated. In summary, the available evidence is currently insufficient to determine the role of this variant in disease. Therefore, it has been classified as a Variant of Uncertain Significance.

NM_001375524.1(TRRAP):c.11414C>T (p.Ser3805Phe)

Gene: TRRAP (transformation/transcription domain associated protein; plus strand). Cytogenetic location: 7q22.1.
Variant type: single nucleotide variant.
Coding change: c.11414C>T on transcript NM_001375524.1 (MANE Select); coding-DNA position 11414, C replaced by T.
Protein change: p.Ser3805Phe; replaces serine 3805 with phenylalanine.
Molecular consequence: missense variant.
Genome position (GRCh38, 1-based): chr7:99,012,147, C>T. VCF-style: chr7-99012147-C-T. GRCh37 (hg19) VCF-style: chr7-98609770-C-T.
Other names: c.11372C>T, p.Ser3791Phe (NM_001244580.2); c.11285C>T, p.Ser3762Phe (NM_003496.4); short protein forms S3791F, S3762F, S3805F.
Identifiers: ClinVar variation 2780774 (VCV002780774.3), dbSNP rs1033154031, ClinGen allele CA163093697.
Genomic context (GRCh38, chr7:99,012,147, plus strand): 5'-AAACGGTTCTCCGGGACGAGATCATTGCTTGGCACAAAAAAACACAAGAGGACACGTCCT[C>T]TCCTCTCTCGGCCGCCGGGCAGCCAGAGAACATGGACAGCCAGCAACTGGTGTCCCTGGT-3'
Protein context (NP_001362453.1, residues 3795-3815): WHKKTQEDTS[Ser3805Phe]PLSAAGQPEN